The following is an entry in ClinVar:

ClinVar aggregate classification (germline): Uncertain significance. Review status: criteria provided, multiple submitters, no conflicts (2 of 4 stars). 2 submissions from 2 submitters: Uncertain significance (2). Last evaluated 2025-12-13.

Conditions:
Inborn genetic diseases. Identifiers: MedGen C0950123, MeSH D030342.

Allele frequency attached by ClinVar (database versions not stated): TOPMed below 0.00001.
gnomAD v4.1: 9 of 1,614,076 alleles (0.00056%); highest among the groups gnomAD compares: African/African-American, 0.0013%; no homozygotes.

Submissions (2):

Labcorp Genetics (formerly Invitae), Labcorp
Classification: Uncertain significance. Last evaluated: 2025-12-13. Review status: criteria provided, single submitter. Criteria: Invitae Variant Classification Sherloc (09022015). Collection method: clinical testing. Allele origin: germline.
Comment: This sequence change replaces valine, which is neutral and non-polar, with methionine, which is neutral and non-polar, at codon 1990 of the FLNB protein (p.Val1990Met). This variant is not present in population databases (gnomAD no frequency). This variant has not been reported in the literature in individuals affected with FLNB-related conditions. ClinVar contains an entry for this variant (Variation ID: 1506902). Invitae Evidence Modeling of protein sequence and biophysical properties (such as structural, functional, and spatial information, amino acid conservation, physicochemical variation, residue mobility, and thermodynamic stability) indicates that this missense variant is not expected to disrupt FLNB protein function with a negative predictive value of 95%. In summary, the available evidence is currently insufficient to determine the role of this variant in disease. Therefore, it has been classified as a Variant of Uncertain Significance.

Ambry Genetics
Classification: Uncertain significance for Inborn genetic diseases. Last evaluated: 2024-09-25. Review status: criteria provided, single submitter. Criteria: Ambry Variant Classification Scheme 2023. Collection method: clinical testing. Allele origin: germline.

NM_001457.4(FLNB):c.5968G>A (p.Val1990Met)

Gene: FLNB (filamin B; plus strand). Cytogenetic location: 3p14.3.
Variant type: single nucleotide variant.
Coding change: c.5968G>A on transcript NM_001457.4 (MANE Select); coding-DNA position 5968, G replaced by A.
Protein change: p.Val1990Met; replaces valine 1990 with methionine.
Molecular consequence: missense variant.
Genome position (GRCh38, 1-based): chr3:58,148,729, G>A. VCF-style: chr3-58148729-G-A. GRCh37 (hg19) VCF-style: chr3-58134456-G-A.
Other names: c.6061G>A, p.Val2021Met (NM_001164317.2); c.5935G>A, p.Val1979Met (NM_001164318.2); c.5896G>A, p.Val1966Met (NM_001164319.2); c.5968G>A (NM_001457.3); short protein forms V1966M, V1979M, V1990M, V2021M.
Identifiers: ClinVar variation 1506902 (VCV001506902.8), dbSNP rs970333657, ClinGen allele CA75472021.
Genomic context (GRCh38, chr3:58,148,729, plus strand): 5'-GAAGTGGGCGAACATCTGGTCAGCATCAAGAAAAATGGCAACCATGTGGCCAACAGCCCC[G>A]TGTCTATCATGGTGGTCCAGTCGGAGATTGGTGACGCCCGCCGAGCCAAAGTCTATGGCC-3'
Protein context (NP_001448.2, residues 1980-2000): KNGNHVANSP[Val1990Met]SIMVVQSEIG